The following is an entry in ClinVar:

NM_001100427.2(RAP1GDS1):c.354C>T (p.Tyr118=)

Gene: RAP1GDS1 (Rap1 GTPase-GDP dissociation stimulator 1; plus strand). Cytogenetic location: 4q23.
Variant type: single nucleotide variant.
Coding change: c.354C>T on transcript NM_001100427.2 (MANE Select); coding-DNA position 354, C replaced by T.
Protein change: p.Tyr118=; no amino-acid change (tyrosine 118 retained).
Molecular consequence: synonymous variant.
Genome position (GRCh38, 1-based): chr4:98,352,594, C>T. VCF-style: chr4-98352594-C-T. GRCh37 (hg19) VCF-style: chr4-99273745-C-T.
Other names: c.357C>T, p.Tyr119= (NM_001100426.2, NM_001100428.2, NM_001100430.2 and 1 more transcripts); c.354C>T, p.Tyr118= (NM_001100429.2).
Identifiers: ClinVar variation 4873615 (VCV004873615.2).

ClinVar aggregate classification (germline): Likely benign (1 of 4 stars; one submission).

gnomAD v4.1: 14 of 1,613,490 alleles (0.00087%); highest among the groups gnomAD compares: African/African-American, 0.008%; no homozygotes.

Submission:

CeGaT Center for Human Genetics Tuebingen
Classification: Likely benign. Last evaluated: 2026-04-01. Review status: criteria provided, single submitter. Criteria: CeGaT Center For Human Genetics Tuebingen Variant Classification Criteria Version 2. Collection method: clinical testing. Allele origin: germline. Affected: yes. Observed: 1 variant allele.
Comment: RAP1GDS1: BP4, BP7